The following is an entry in ClinVar:

ClinVar aggregate classification (germline): Uncertain significance (1 of 4 stars; one submission).

Submission:

Athena Diagnostics
Classification: Uncertain significance. Last evaluated: 2024-06-19. Review status: criteria provided, single submitter. Criteria: Athena Diagnostics Criteria. Collection method: clinical testing. Allele origin: unknown.
Comment: Available data are insufficient to determine the clinical significance of the variant at this time. This variant has not been reported in large, multi-ethnic general populations. Polyphen and MutationTaster predict this amino acid change may be benign.

NM_001267550.2(TTN):c.14792G>A (p.Gly4931Glu)

Gene: TTN (titin; minus strand). Cytogenetic location: 2q31.2.
Variant type: single nucleotide variant.
Coding change: c.14792G>A on transcript NM_001267550.2 (MANE Select); coding-DNA position 14792, G replaced by A.
Protein change: p.Gly4931Glu; replaces glycine 4931 with glutamic acid.
Molecular consequence: missense variant. On other transcripts: intron variant (3).
Genome position (GRCh38, 1-based): chr2:178,735,654, C>T on the plus strand (G>A on the coding strand, the complement: TTN is on the minus strand). VCF-style: chr2-178735654-C-T. GRCh37 (hg19) VCF-style: chr2-179600381-C-T.
Other names: c.14792G>A (LRG_391t1); c.13841G>A, p.Gly4614Glu (NM_001256850.1); c.11060G>A, p.Gly3687Glu (NM_133378.4); c.13282+2428G>A (NM_003319.4); c.13858+2428G>A (NM_133437.4); c.13657+2428G>A (NM_133432.3); short protein forms G4931E, G3687E, G4614E.
Identifiers: ClinVar variation 586869 (VCV000586869.2), dbSNP rs1204206553, ClinGen allele CA349596918.